The following is an entry in ClinVar:

ClinVar aggregate classification (germline): Likely benign (1 of 4 stars; one submission).

gnomAD v4.1: 16 of 1,613,670 alleles (0.00099%); highest among the groups gnomAD compares: South Asian, 0.016%; no homozygotes.

Submission:

CeGaT Center for Human Genetics Tuebingen
Classification: Likely benign. Last evaluated: 2026-04-01. Review status: criteria provided, single submitter. Criteria: CeGaT Center For Human Genetics Tuebingen Variant Classification Criteria Version 2. Collection method: clinical testing. Allele origin: germline. Affected: yes. Observed: 1 variant allele.
Comment: PMPCB: BP4, BP7

NM_004279.3(PMPCB):c.564T>C (p.Asn188=)

Gene: PMPCB (peptidase, mitochondrial processing subunit beta; plus strand). Cytogenetic location: 7q22.1.
Variant type: single nucleotide variant.
Coding change: c.564T>C on transcript NM_004279.3 (MANE Select); coding-DNA position 564, T replaced by C.
Protein change: p.Asn188=; no amino-acid change (asparagine 188 retained).
Molecular consequence: synonymous variant.
Genome position (GRCh38, 1-based): chr7:103,303,948, T>C. VCF-style: chr7-103303948-T-C. GRCh37 (hg19) VCF-style: chr7-102944395-T-C.
Other names: c.564T>C, p.Asn188= (NM_001438231.1).
Identifiers: ClinVar variation 4872352 (VCV004872352.2).